The following is an entry in ClinVar:

ClinVar aggregate classification (germline): Uncertain significance. Review status: criteria provided, multiple submitters, no conflicts (2 of 4 stars). 2 submissions from 2 submitters: Uncertain significance (2). Last evaluated 2024-12-04.

Conditions:
Juvenile polyposis syndrome (JPS). Identifiers: Orphanet 2929, MedGen C0345893, MONDO:0017380, OMIM 174900.
Hereditary cancer-predisposing syndrome. Also called: Hereditary Cancer Syndrome; Tumor predisposition; Neoplastic Syndromes, Hereditary; Hereditary neoplastic syndrome. Identifiers: Orphanet 140162, MedGen C0027672, MeSH D009386, MONDO:0015356.

Submissions (2):

Labcorp Genetics (formerly Invitae), Labcorp
Classification: Uncertain significance for Juvenile polyposis syndrome. Last evaluated: 2024-12-04. Review status: criteria provided, single submitter. Criteria: Invitae Variant Classification Sherloc (09022015). Collection method: clinical testing. Allele origin: germline.
Comment: This sequence change replaces arginine, which is basic and polar, with leucine, which is neutral and non-polar, at codon 471 of the BMPR1A protein (p.Arg471Leu). This variant is not present in population databases (gnomAD no frequency). This variant has not been reported in the literature in individuals affected with BMPR1A-related conditions. ClinVar contains an entry for this variant (Variation ID: 650046). Invitae Evidence Modeling of protein sequence and biophysical properties (such as structural, functional, and spatial information, amino acid conservation, physicochemical variation, residue mobility, and thermodynamic stability) indicates that this missense variant is not expected to disrupt BMPR1A protein function with a negative predictive value of 80%. In summary, the available evidence is currently insufficient to determine the role of this variant in disease. Therefore, it has been classified as a Variant of Uncertain Significance.

Ambry Genetics
Classification: Uncertain significance for Hereditary cancer-predisposing syndrome. Last evaluated: 2023-08-11. Review status: criteria provided, single submitter. Criteria: Ambry Variant Classification Scheme 2023. Collection method: clinical testing. Allele origin: germline.
Comment: The p.R471L variant (also known as c.1412G>T), located in coding exon 10 of the BMPR1A gene, results from a G to T substitution at nucleotide position 1412. The arginine at codon 471 is replaced by leucine, an amino acid with dissimilar properties. This amino acid position is well conserved in available vertebrate species. In addition, the in silico prediction for this alteration is inconclusive. Since supporting evidence is limited at this time, the clinical significance of this alteration remains unclear.

NM_004329.3(BMPR1A):c.1412G>T (p.Arg471Leu)

Gene: BMPR1A (bone morphogenetic protein receptor type 1A; plus strand). Cytogenetic location: 10q23.2.
Variant type: single nucleotide variant.
Coding change: c.1412G>T on transcript NM_004329.3 (MANE Select); coding-DNA position 1412, G replaced by T.
Protein change: p.Arg471Leu; replaces arginine 471 with leucine.
Molecular consequence: missense variant.
Genome position (GRCh38, 1-based): chr10:86,923,445, G>T. VCF-style: chr10-86923445-G-T. GRCh37 (hg19) VCF-style: chr10-88683202-G-T.
Other names: short protein forms R471L.
Identifiers: ClinVar variation 650046 (VCV000650046.11), dbSNP rs779371501, ClinGen allele CA377462979.